The following is an entry in ClinVar:

NM_024426.6(WT1):c.352G>A (p.Ala118Thr)

Genes: WT1 (WT1 transcription factor; minus strand), LOC107982234 (WT1/WT1-AS bi-directional promoter region; plus strand). Cytogenetic location: 11p13.
Variant type: single nucleotide variant.
Coding change: c.352G>A on transcript NM_024426.6 (MANE Select); coding-DNA position 352, G replaced by A.
Protein change: p.Ala118Thr; replaces alanine 118 with threonine.
Molecular consequence: missense variant. On other transcripts: non-coding transcript variant (1).
Genome position (GRCh38, 1-based): chr11:32,435,009, C>T on the plus strand (G>A on the coding strand, the complement: WT1 is on the minus strand). VCF-style: chr11-32435009-C-T. GRCh37 (hg19) VCF-style: chr11-32456555-C-T.
Other names: c.352G>A, p.Ala118Thr (NM_000378.6, NM_024424.5); short protein forms A118T.
Identifiers: ClinVar variation 582850 (VCV000582850.27), dbSNP rs1253163678, ClinGen allele CA379965869.

ClinVar aggregate classification (germline): Uncertain significance. Review status: criteria provided, multiple submitters, no conflicts (2 of 4 stars). 5 submissions from 5 submitters: Uncertain significance (5). Last evaluated 2025-01-18.

Conditions:
Drash syndrome (DDS). Also called: NEPHROPATHY, WILMS TUMOR, AND GENITAL ANOMALIES; WILMS TUMOR AND PSEUDO- OR TRUE HERMAPHRODITISM. Identifiers: Orphanet 220, MedGen C0950121, MONDO:0008682, OMIM 194080.
Wilms tumor 1 (WT1). Also called: Wilms tumor, somatic. Identifiers: Orphanet 654, MedGen CN033288, MONDO:0008679, OMIM 194070.
11p partial monosomy syndrome (WAGR). Also called: WAGR Spectrum Disorder; CHROMOSOME 11p13 DELETION SYNDROME; WAGR syndrome; WAGR Complex. Identifiers: Orphanet 893, MedGen C0206115, MONDO:0008681, OMIM 194072.
Frasier syndrome. Identifiers: Orphanet 347, MedGen C0950122, MeSH D052159, MONDO:0007635, OMIM 136680.
Inborn genetic diseases. Identifiers: MedGen C0950123, MeSH D030342.

gnomAD v4.1: 11 of 1,487,654 alleles (0.00074%); highest among the groups gnomAD compares: Non-Finnish European, 0.0008%; no homozygotes.

Submissions (5):

Ambry Genetics
Classification: Uncertain significance for Inborn genetic diseases. Last evaluated: 2025-01-18. Review status: criteria provided, single submitter. Criteria: Ambry Variant Classification Scheme 2023. Collection method: clinical testing. Allele origin: germline.
Comment: The p.A113T variant (also known as c.337G>A), located in coding exon 1 of the WT1 gene, results from a G to A substitution at nucleotide position 337. The alanine at codon 113 is replaced by threonine, an amino acid with similar properties. This amino acid position is conserved. In addition, this alteration is predicted to be tolerated by in silico analysis. Based on the available evidence, the clinical significance of this variant remains unclear.

CeGaT Center for Human Genetics Tuebingen
Classification: Uncertain significance. Last evaluated: 2024-11-01. Review status: criteria provided, single submitter. Criteria: CeGaT Center For Human Genetics Tuebingen Variant Classification Criteria Version 2. Collection method: clinical testing. Allele origin: germline. Affected: yes. Observed: 1 variant allele.
Comment: WT1: PM2:Supporting

All of Us Research Program, National Institutes of Health
Classification: Uncertain significance for Wilms tumor 1. Last evaluated: 2024-09-23. Review status: criteria provided, single submitter. Criteria: ACMG Guidelines, 2015. Collection method: clinical testing. Allele origin: germline. Inheritance: Autosomal dominant inheritance. Observed: 1 variant allele, 1 heterozygote.
Comment: This study involves interpretation of variants in research participants for the purpose of population health screening. Participant phenotype was not available at the time of variant classification. Additional details can be found in publication PMID: 35346344, PMCID: PMC8962531

Baylor Genetics
Classification: Uncertain significance for Drash syndrome. Last evaluated: 2023-07-24. Review status: criteria provided, single submitter. Criteria: ACMG Guidelines, 2015. Collection method: clinical testing. Allele origin: unknown.

Labcorp Genetics (formerly Invitae), Labcorp
Classification: Uncertain significance for Wilms tumor 1; Drash syndrome; 11p partial monosomy syndrome; Frasier syndrome. Last evaluated: 2021-11-22. Review status: criteria provided, single submitter. Criteria: Invitae Variant Classification Sherloc (09022015). Collection method: clinical testing. Allele origin: germline.
Comment: Algorithms developed to predict the effect of missense changes on protein structure and function are either unavailable or do not agree on the potential impact of this missense change (SIFT: "Deleterious"; PolyPhen-2: "Possibly Damaging"; Align-GVGD: "Class C0"). In summary, the available evidence is currently insufficient to determine the role of this variant in disease. Therefore, it has been classified as a Variant of Uncertain Significance. ClinVar contains an entry for this variant (Variation ID: 582850). This variant has not been reported in the literature in individuals affected with WT1-related conditions. This variant is not present in population databases (gnomAD no frequency). This sequence change replaces alanine, which is neutral and non-polar, with threonine, which is neutral and polar, at codon 113 of the WT1 protein (p.Ala113Thr).